The following is an entry in ClinVar:

NM_006269.2(RP1):c.5516A>G (p.Asn1839Ser)

Genes: RP1 (RP1 axonemal microtubule associated; plus strand), LOC126860392 (CDK7 strongly-dependent group 2 enhancer GRCh37_chr8:55541319-55542518; plus strand). Cytogenetic location: 8q12.1.
Variant type: single nucleotide variant.
Coding change: c.5516A>G on transcript NM_006269.2 (MANE Select); coding-DNA position 5516, A replaced by G.
Protein change: p.Asn1839Ser; replaces asparagine 1839 with serine.
Molecular consequence: missense variant. On other transcripts: intron variant (1).
Genome position (GRCh38, 1-based): chr8:54,629,398, A>G. VCF-style: chr8-54629398-A-G. GRCh37 (hg19) VCF-style: chr8-55541958-A-G.
Other names: c.787+7110A>G (NM_001375654.1); short protein forms N1839S.
Identifiers: ClinVar variation 1054659 (VCV001054659.9), dbSNP rs751501952, ClinGen allele CA4752084.

ClinVar aggregate classification (germline): Uncertain significance (1 of 4 stars; one submission).

Allele frequency attached by ClinVar (database versions not stated): gnomAD exomes below 0.00001; ExAC 0.00001; TOPMed 0.00001.
gnomAD v4.1: 4 of 1,614,154 alleles (0.00025%); highest among the groups gnomAD compares: Admixed American, 0.0017%; no homozygotes.

Submission:

Labcorp Genetics (formerly Invitae), Labcorp
Classification: Uncertain significance. Last evaluated: 2020-06-23. Review status: criteria provided, single submitter. Criteria: Invitae Variant Classification Sherloc (09022015). Collection method: clinical testing. Allele origin: germline.
Comment: Algorithms developed to predict the effect of sequence changes on RNA splicing suggest that this variant may create or strengthen a splice site, but this prediction has not been confirmed by published transcriptional studies. In summary, the available evidence is currently insufficient to determine the role of this variant in disease. Therefore, it has been classified as a Variant of Uncertain Significance. Algorithms developed to predict the effect of missense changes on protein structure and function output the following: SIFT: "Tolerated"; PolyPhen-2: "Benign"; Align-GVGD: "Class C0". The serine amino acid residue is found in multiple mammalian species, suggesting that this missense change does not adversely affect protein function. These predictions have not been confirmed by published functional studies and their clinical significance is uncertain. This sequence change replaces asparagine with serine at codon 1839 of the RP1 protein (p.Asn1839Ser). The asparagine residue is moderately conserved and there is a small physicochemical difference between asparagine and serine. This variant is present in population databases (rs751501952, ExAC 0.002%). This variant has not been reported in the literature in individuals with RP1-related conditions.